The following is an entry in ClinVar:

ClinVar aggregate classification (germline): Likely benign (1 of 4 stars; one submission).

Conditions:
KCNJ6-related disorder. Also called: KCNJ6-related condition.

gnomAD v4.1: 27 of 1,607,188 alleles (0.0017%); highest among the groups gnomAD compares: African/African-American, 0.035%; no homozygotes.

Submission:

PreventionGenetics, part of Exact Sciences
Classification: Likely benign for KCNJ6-related condition. Last evaluated: 2025-06-19. Review status: criteria provided, single submitter. Criteria: ACMG Guidelines, 2015. Collection method: clinical testing. Allele origin: germline.
Comment: This variant is classified as likely benign based on ACMG/AMP sequence variant interpretation guidelines (Richards et al. 2015 PMID: 25741868, with internal and published modifications).

NM_002240.5(KCNJ6):c.*4C>T

Genes: KCNJ6 (potassium inwardly rectifying channel subfamily J member 6; minus strand), KCNJ6-AS1 (KCNJ6 antisense RNA 1; plus strand). Cytogenetic location: 21q22.13.
Variant type: single nucleotide variant.
Coding change: c.*4C>T on transcript NM_002240.5 (MANE Select); 4 bases downstream of the stop codon, C replaced by T.
Molecular consequence: 3 prime UTR variant.
Genome position (GRCh38, 1-based): chr21:37,625,155, G>A on the plus strand (C>T on the coding strand, the complement: KCNJ6 is on the minus strand). VCF-style: chr21-37625155-G-A. GRCh37 (hg19) VCF-style: chr21-38997457-G-A.
Identifiers: ClinVar variation 4978801 (VCV004978801.1).